The following is an entry in ClinVar:

ClinVar aggregate classification (germline): Uncertain significance (1 of 4 stars; one submission).

gnomAD v4.1: 9 of 1,587,980 alleles (0.00057%); highest among the groups gnomAD compares: Non-Finnish European, 0.00077%; no homozygotes.

Submission:

Labcorp Genetics (formerly Invitae), Labcorp
Classification: Uncertain significance. Last evaluated: 2025-09-17. Review status: criteria provided, single submitter. Criteria: Invitae Variant Classification Sherloc (09022015). Collection method: clinical testing. Allele origin: germline.
Comment: This sequence change replaces alanine, which is neutral and non-polar, with threonine, which is neutral and polar, at codon 6 of the LEMD3 protein (p.Ala6Thr). This variant is present in population databases (no rsID available, gnomAD 0.001%). This variant has not been reported in the literature in individuals affected with LEMD3-related conditions. ClinVar contains an entry for this variant (Variation ID: 2176503). An algorithm developed to predict the effect of missense changes on protein structure and function (PolyPhen-2) suggests that this variant is likely to be disruptive. In summary, the available evidence is currently insufficient to determine the role of this variant in disease. Therefore, it has been classified as a Variant of Uncertain Significance.

NM_014319.5(LEMD3):c.16G>A (p.Ala6Thr)

Gene: LEMD3 (LEM domain containing 3; plus strand). Cytogenetic location: 12q14.3.
Variant type: single nucleotide variant.
Coding change: c.16G>A on transcript NM_014319.5 (MANE Select); coding-DNA position 16, G replaced by A.
Protein change: p.Ala6Thr; replaces alanine 6 with threonine.
Molecular consequence: missense variant.
Genome position (GRCh38, 1-based): chr12:65,169,612, G>A. VCF-style: chr12-65169612-G-A. GRCh37 (hg19) VCF-style: chr12-65563392-G-A.
Other names: c.16G>A, p.Ala6Thr (NM_001167614.2); short protein forms A6T.
Identifiers: ClinVar variation 2176503 (VCV002176503.4), dbSNP rs1162532082, ClinGen allele CA385670786.